The following is an entry in ClinVar:

ClinVar aggregate classification (germline): Pathogenic (1 of 4 stars; one submission).

Conditions:
Mucopolysaccharidosis, MPS-II (MPS2). Also called: Hunter Syndrome; IDURONATE 2-SULFATASE DEFICIENCY; Mucopolysaccharidosis Type II; Mucopolysaccharidosis type 2; Attenuated MPS (subtype; formerly known as mild MPS II); Severe MPS II. Identifiers: Orphanet 580, Orphanet 79388, MedGen C0026705, MONDO:0010674, OMIM 309900.

Submission:

Laboratory of Diagnosis and Therapy of Lysosomal Disorders, University of Padova
Classification: Pathogenic for Mucopolysaccharidosis, MPS-II. Last evaluated: 2024-06-07. Review status: criteria provided, single submitter. Criteria: ACMG Guidelines, 2015. Collection method: literature only. Allele origin: germline. Affected: yes. Observed: 1 variant allele.
Comment: Located in a mutational hot spot and/or critical functional domain (PM1_Moderate), Absent from controls (or at low frequency) in gnomAD database (PM2_Moderate), Missense variant in a gene with a low rate of benign missense variation (PP2_Supporting), Multiple lines of computational evidence support a deleterious effect (PP3_Supporting), Patient’s phenotype or family history highly specific for the disease (PP4_Strong)

Classification method: ACMG Guidelines [PMID:25741868] with modifications

Literature cited by the submitters: PubMed 22976768.

NM_000202.8(IDS):c.344A>T (p.Asn115Ile)

Gene: IDS (iduronate 2-sulfatase; minus strand). Cytogenetic location: Xq28.
Variant type: single nucleotide variant.
Coding change: c.344A>T on transcript NM_000202.8 (MANE Select); coding-DNA position 344, A replaced by T.
Protein change: p.Asn115Ile; replaces asparagine 115 with isoleucine.
Molecular consequence: missense variant. On other transcripts: non-coding transcript variant (1).
Genome position (GRCh38, 1-based): chrX:149,503,386, T>A on the plus strand (A>T on the coding strand, the complement: IDS is on the minus strand). VCF-style: chrX-149503386-T-A. GRCh37 (hg19) VCF-style: chrX-148584916-T-A.
Other names: c.74A>T, p.Asn25Ile (NM_001166550.4); c.344A>T, p.Asn115Ile (NM_006123.5); short protein forms N115I, N25I.
Identifiers: ClinVar variation 3255679 (VCV003255679.2).